The following is an entry in ClinVar:

NM_001064.4(TKT):c.541A>C (p.Ile181Leu)

Gene: TKT (transketolase; minus strand). Cytogenetic location: 3p21.1.
Variant type: single nucleotide variant.
Coding change: c.541A>C on transcript NM_001064.4 (MANE Select); coding-DNA position 541, A replaced by C.
Protein change: p.Ile181Leu; replaces isoleucine 181 with leucine.
Molecular consequence: missense variant.
Genome position (GRCh38, 1-based): chr3:53,235,071, T>G on the plus strand (A>C on the coding strand, the complement: TKT is on the minus strand). VCF-style: chr3-53235071-T-G. GRCh37 (hg19) VCF-style: chr3-53269087-T-G.
Other names: c.541A>C, p.Ile181Leu (NM_001135055.3); c.565A>C, p.Ile189Leu (NM_001258028.2); short protein forms I189L, I181L.
Identifiers: ClinVar variation 5006663 (VCV005006663.2).

ClinVar aggregate classification (germline): Uncertain significance (1 of 4 stars; one submission).

Conditions:
Transketolase deficiency. Also called: Short stature, developmental delay, and congenital heart defects. Identifiers: Orphanet 488618, MedGen C5700245, MONDO:0014881, OMIM 617044.

Submission:

Juno Genomics, Hangzhou Juno Genomics, Inc
Classification: Uncertain significance for Transketolase deficiency. Review status: criteria provided, single submitter. Criteria: ACMG Guidelines, 2015. Collection method: clinical testing. Allele origin: germline.
Comment: Absent from controls (or at extremely low frequency if recessive) in Genome Aggregation Database.;Multiple lines of computational evidence suggest no impact on gene or gene product.